The following is an entry in ClinVar:

NM_000059.4(BRCA2):c.2890A>T (p.Lys964Ter)

Gene: BRCA2 (BRCA2 DNA repair associated; plus strand). Cytogenetic location: 13q13.1.
Variant type: single nucleotide variant.
Coding change: c.2890A>T on transcript NM_000059.4 (MANE Select); coding-DNA position 2890, A replaced by T.
Protein change: p.Lys964Ter; replaces lysine 964 with a stop codon.
Molecular consequence: nonsense. On other transcripts: non-coding transcript variant (1), intron variant (2).
Genome position (GRCh38, 1-based): chr13:32,337,245, A>T. VCF-style: chr13-32337245-A-T. GRCh37 (hg19) VCF-style: chr13-32911382-A-T.
Other names: c.2890A>T, p.Lys964Ter (NM_001406719.1, NM_001406720.1, NM_001432077.1); c.1909+3858A>T (NM_001406721.1); c.424+6215A>T (NM_001406722.1); short protein forms K964*.
Identifiers: ClinVar variation 4756171 (VCV004756171.1).

ClinVar aggregate classification (germline): Pathogenic (1 of 4 stars; one submission).

Conditions:
Hereditary cancer-predisposing syndrome. Also called: Tumor predisposition; Hereditary Cancer Syndrome; Neoplastic Syndromes, Hereditary; Hereditary neoplastic syndrome. Identifiers: Orphanet 140162, MedGen C0027672, MeSH D009386, MONDO:0015356.

Submission:

Color Diagnostics, LLC DBA Color Health
Classification: Pathogenic for Hereditary cancer-predisposing syndrome. Last evaluated: 2025-08-12. Review status: criteria provided, single submitter. Criteria: ACMG Guidelines, 2015. Collection method: clinical testing. Allele origin: germline.
Comment: This variant changes 1 nucleotide in exon 11/27 of the BRCA2 gene, creating a premature translation stop signal. This variant is expected to result in an absent or non-functional protein product. To our knowledge, this variant has not been reported in individuals affected with BRCA2-related disorders in the literature. Other truncation variants with a premature termination codon C-terminal to this variant have been reported as disease-causing in ClinVar (variation ID: 266726, 1696798). This variant has not been identified in the general population by the Genome Aggregation Database (gnomAD). Loss of BRCA2 function is a known mechanism of disease. Based on the available evidence, this variant is classified as Pathogenic.